The following is an entry in ClinVar:

ClinVar aggregate classification (germline): Uncertain significance (1 of 4 stars; one submission).

Conditions:
Progressive microcephaly-seizures-cortical blindness-developmental delay syndrome. Also called: Seizures, cortical blindness, and microcephaly syndrome. Identifiers: Orphanet 477814, MedGen C5567650, MONDO:0014714, OMIM 616632.
Autosomal dominant nonsyndromic hearing loss 1. Also called: DEAFNESS, AUTOSOMAL DOMINANT 1, WITH OR WITHOUT THROMBOCYTOPENIA; KONIGSMARK SYNDROME. Identifiers: Orphanet 90635, MedGen C1852282, MONDO:0007424, OMIM 124900.

Submission:

Labcorp Genetics (formerly Invitae), Labcorp
Classification: Uncertain significance for Progressive microcephaly-seizures-cortical blindness-developmental delay syndrome; Autosomal dominant nonsyndromic hearing loss 1. Last evaluated: 2022-12-02. Review status: criteria provided, single submitter. Criteria: Invitae Variant Classification Sherloc (09022015). Collection method: clinical testing. Allele origin: germline.
Comment: This variant is not present in population databases (gnomAD no frequency). In summary, the available evidence is currently insufficient to determine the role of this variant in disease. Therefore, it has been classified as a Variant of Uncertain Significance. Algorithms developed to predict the effect of missense changes on protein structure and function are either unavailable or do not agree on the potential impact of this missense change (SIFT: "Tolerated"; PolyPhen-2: "Not Available"; Align-GVGD: "Class C0"). ClinVar contains an entry for this variant (Variation ID: 1396612). This variant has not been reported in the literature in individuals affected with DIAPH1-related conditions. This sequence change replaces serine, which is neutral and polar, with cysteine, which is neutral and slightly polar, at codon 66 of the DIAPH1 protein (p.Ser66Cys).

NM_005219.5(DIAPH1):c.197C>G (p.Ser66Cys)

Gene: DIAPH1 (diaphanous related formin 1; minus strand). Cytogenetic location: 5q31.3.
Variant type: single nucleotide variant.
Coding change: c.197C>G on transcript NM_005219.5 (MANE Select); coding-DNA position 197, C replaced by G.
Protein change: p.Ser66Cys; replaces serine 66 with cysteine.
Molecular consequence: missense variant.
Genome position (GRCh38, 1-based): chr5:141,587,145, G>C on the plus strand (C>G on the coding strand, the complement: DIAPH1 is on the minus strand). VCF-style: chr5-141587145-G-C. GRCh37 (hg19) VCF-style: chr5-140966712-G-C.
Other names: c.170C>G, p.Ser57Cys (NM_001079812.3); c.197C>G, p.Ser66Cys (NM_001314007.2); short protein forms S66C, S57C.
Identifiers: ClinVar variation 1396612 (VCV001396612.6), dbSNP rs1414699859, ClinGen allele CA361546600.